The following is an entry in ClinVar:

ClinVar aggregate classification (germline): Uncertain significance (1 of 4 stars; one submission).

Submission:

Labcorp Genetics (formerly Invitae), Labcorp
Classification: Uncertain significance. Last evaluated: 2022-11-14. Review status: criteria provided, single submitter. Criteria: Invitae Variant Classification Sherloc (09022015). Collection method: clinical testing. Allele origin: germline.
Comment: This sequence change replaces proline, which is neutral and non-polar, with leucine, which is neutral and non-polar, at codon 615 of the PDE6B protein (p.Pro615Leu). This variant is not present in population databases (gnomAD no frequency). This variant has not been reported in the literature in individuals affected with PDE6B-related conditions. Advanced modeling of protein sequence and biophysical properties (such as structural, functional, and spatial information, amino acid conservation, physicochemical variation, residue mobility, and thermodynamic stability) has been performed at Invitae for this missense variant, however the output from this modeling did not meet the statistical confidence thresholds required to predict the impact of this variant on PDE6B protein function. In summary, the available evidence is currently insufficient to determine the role of this variant in disease. Therefore, it has been classified as a Variant of Uncertain Significance.

NM_000283.4(PDE6B):c.1844C>T (p.Pro615Leu)

Gene: PDE6B (phosphodiesterase 6B; plus strand). Cytogenetic location: 4p16.3.
Variant type: single nucleotide variant.
Coding change: c.1844C>T on transcript NM_000283.4 (MANE Select); coding-DNA position 1844, C replaced by T.
Protein change: p.Pro615Leu; replaces proline 615 with leucine.
Molecular consequence: missense variant.
Genome position (GRCh38, 1-based): chr4:663,111, C>T. VCF-style: chr4-663111-C-T. GRCh37 (hg19) VCF-style: chr4-656900-C-T.
Other names: c.1844C>T, p.Pro615Leu (NM_001145291.2); c.1007C>T, p.Pro336Leu (NM_001145292.2, NM_001350154.3, NM_001379246.1 and 1 more transcripts); c.689C>T, p.Pro230Leu (NM_001350155.3); short protein forms P230L, P336L, P615L.
Identifiers: ClinVar variation 1717021 (VCV001717021.5), dbSNP rs767781179, ClinGen allele CA355917764.